The following is an entry in ClinVar:

NM_003859.3(DPM1):c.97A>G (p.Thr33Ala)

Genes: DPM1 (dolichyl-phosphate mannosyltransferase subunit 1, catalytic; minus strand), LOC130066166 (ATAC-STARR-seq lymphoblastoid active region 18108; plus strand). Cytogenetic location: 20q13.13.
Variant type: single nucleotide variant.
Coding change: c.97A>G on transcript NM_003859.3 (MANE Select); coding-DNA position 97, A replaced by G.
Protein change: p.Thr33Ala; replaces threonine 33 with alanine.
Molecular consequence: missense variant. On other transcripts: non-coding transcript variant (1).
Genome position (GRCh38, 1-based): chr20:50,958,427, T>C on the plus strand (A>G on the coding strand, the complement: DPM1 is on the minus strand). VCF-style: chr20-50958427-T-C. GRCh37 (hg19) VCF-style: chr20-49574964-T-C.
Other names: c.97A>G, p.Thr33Ala (NM_001317034.1, NM_001317035.1, NM_001317036.1); short protein forms T33A.
Identifiers: ClinVar variation 3606701 (VCV003606701.2).
Genomic context (GRCh38, chr20:50,958,427, plus strand): 5'-CGGAGAAGCTTTTCACCAGCAGCCACACGATGAGCGGCAGGTTCTCGCGCTCGTTGTAGG[T>C]AGGTAAAAGCACCGAATATTTGTTCTGTCGTGGACTGCGCACTTCCAGCTCCCGCCGAGA-3'
Protein context (NP_003850.1, residues 23-43): RQNKYSVLLP[Thr33Ala]YNERENLPLI

ClinVar aggregate classification (germline): Uncertain significance (1 of 4 stars; one submission).

Conditions:
Congenital disorder of glycosylation type 1E (CDG1E). Also called: CONGENITAL DISORDER OF GLYCOSYLATION, TYPE Ie; CDG Ie. Identifiers: Orphanet 79322, MedGen C1837396, MONDO:0012123, OMIM 608799.

gnomAD v4.1: 4 of 1,613,986 alleles (0.00025%); highest among the groups gnomAD compares: Non-Finnish European, 0.00034%; no homozygotes.

Submission:

Labcorp Genetics (formerly Invitae), Labcorp
Classification: Uncertain significance for Congenital disorder of glycosylation type 1E. Last evaluated: 2024-09-08. Review status: criteria provided, single submitter. Criteria: Invitae Variant Classification Sherloc (09022015). Collection method: clinical testing. Allele origin: germline.
Comment: This sequence change replaces threonine, which is neutral and polar, with alanine, which is neutral and non-polar, at codon 33 of the DPM1 protein (p.Thr33Ala). This variant is not present in population databases (gnomAD no frequency). This variant has not been reported in the literature in individuals affected with DPM1-related conditions. An algorithm developed to predict the effect of missense changes on protein structure and function (PolyPhen-2) suggests that this variant is likely to be disruptive. In summary, the available evidence is currently insufficient to determine the role of this variant in disease. Therefore, it has been classified as a Variant of Uncertain Significance.